The following is an entry in ClinVar:

ClinVar aggregate classification (germline): Uncertain significance (1 of 4 stars; one submission).

Conditions:
Congenital muscular dystrophy due to integrin alpha-7 deficiency. Also called: Congenital muscular dystrophy with integrin alpha-7 deficiency; Muscular dystrophy, congenital, due to ITGA7 deficiency; MYOPATHY, CONGENITAL, DUE TO INTEGRIN ALPHA-7 DEFICIENCY. Identifiers: Orphanet 34520, MedGen C2750786, MONDO:0013177, OMIM 613204.

Submission:

Labcorp Genetics (formerly Invitae), Labcorp
Classification: Uncertain significance for Congenital muscular dystrophy due to integrin alpha-7 deficiency. Last evaluated: 2019-10-03. Review status: criteria provided, single submitter. Criteria: Invitae Variant Classification Sherloc (09022015). Collection method: clinical testing. Allele origin: germline.
Comment: This sequence change falls in intron 24 of the ITGA7 gene. It does not directly change the encoded amino acid sequence of the ITGA7 protein. In summary, the available evidence is currently insufficient to determine the role of this variant in disease. Therefore, it has been classified as a Variant of Uncertain Significance. Algorithms developed to predict the effect of sequence changes on RNA splicing suggest that this variant may disrupt the consensus splice site, but this prediction has not been confirmed by published transcriptional studies. This variant has not been reported in the literature in individuals with ITGA7-related conditions. This variant is not present in population databases (ExAC no frequency).

NM_002206.3(ITGA7):c.3184-6T>G

Gene: ITGA7 (integrin subunit alpha 7; minus strand). Cytogenetic location: 12q13.2.
Variant type: single nucleotide variant.
Coding change: c.3184-6T>G on transcript NM_002206.3 (MANE Select); 6 bases into the intron before coding-DNA position 3184, T replaced by G.
Molecular consequence: intron variant.
Genome position (GRCh38, 1-based): chr12:55,685,294, A>C on the plus strand (T>G on the coding strand, the complement: ITGA7 is on the minus strand). VCF-style: chr12-55685294-A-C. GRCh37 (hg19) VCF-style: chr12-56079078-A-C.
Other names: c.2905-6T>G (NM_001144997.2); c.2857-6T>G (NM_001367993.1); c.2845-6T>G (NM_001414035.1); c.3001-6T>G (NM_001414033.1); c.1840-6T>G (NM_001367994.1); c.3064-6T>G (NM_001414032.1); c.3097-6T>G (NM_001414031.1); c.3166-6T>G (NM_001374465.1); and 5 more.
Identifiers: ClinVar variation 961126 (VCV000961126.10), dbSNP rs1869839658, ClinGen allele CA1139662730.
Genomic context (GRCh38, chr12:55,685,294, plus strand): 5'-CATGGTACTGGGGCACGGTGGCCTCGGGGTGCTTCGCCCGTTTGAAGAATCCCATCTATA[A>C]GGACACCAGGCCAGACCATGAGGAGCCTGAAGAGCTGCGGTCCCTGGAGCAGATGCCTAG-3'